The following is an entry in ClinVar:

NM_001130969.3(NSMF):c.186G>T (p.Gln62His)

Gene: NSMF (NMDA receptor synaptonuclear signaling and neuronal migration factor; minus strand). Cytogenetic location: 9q34.3.
Variant type: single nucleotide variant.
Coding change: c.186G>T on transcript NM_001130969.3 (MANE Select); coding-DNA position 186, G replaced by T.
Protein change: p.Gln62His; replaces glutamine 62 with histidine.
Molecular consequence: missense variant.
Genome position (GRCh38, 1-based): chr9:137,457,849, C>A on the plus strand (G>T on the coding strand, the complement: NSMF is on the minus strand). VCF-style: chr9-137457849-C-A. GRCh37 (hg19) VCF-style: chr9-140352301-C-A.
Other names: c.186G>T, p.Gln62His (NM_001130970.2, NM_001130971.2, NM_001178064.2 and 2 more transcripts); short protein forms Q62H.
Identifiers: ClinVar variation 1998195 (VCV001998195.4), dbSNP rs1220007455, ClinGen allele CA375770616.

ClinVar aggregate classification (germline): Uncertain significance (1 of 4 stars; one submission).

Submission:

Labcorp Genetics (formerly Invitae), Labcorp
Classification: Uncertain significance. Last evaluated: 2022-07-29. Review status: criteria provided, single submitter. Criteria: Invitae Variant Classification Sherloc (09022015). Collection method: clinical testing. Allele origin: germline.
Comment: This variant has not been reported in the literature in individuals affected with NSMF-related conditions. Algorithms developed to predict the effect of missense changes on protein structure and function are either unavailable or do not agree on the potential impact of this missense change (SIFT: "Not Available"; PolyPhen-2: "Benign"; Align-GVGD: "Not Available"). In summary, the available evidence is currently insufficient to determine the role of this variant in disease. Therefore, it has been classified as a Variant of Uncertain Significance. This sequence change replaces glutamine, which is neutral and polar, with histidine, which is basic and polar, at codon 62 of the NSMF protein (p.Gln62His). This variant is not present in population databases (gnomAD no frequency).